The following is an entry in ClinVar:

NM_032444.4(SLX4):c.2013+2T>C

Gene: SLX4 (SLX4 structure-specific endonuclease subunit; minus strand). Cytogenetic location: 16p13.3.
Variant type: single nucleotide variant.
Coding change: c.2013+2T>C on transcript NM_032444.4 (MANE Select); the canonical splice donor site of the intron after coding-DNA position 2013, T replaced by C.
Molecular consequence: splice donor variant.
Genome position (GRCh38, 1-based): chr16:3,595,603, A>G on the plus strand (T>C on the coding strand, the complement: SLX4 is on the minus strand). VCF-style: chr16-3595603-A-G. GRCh37 (hg19) VCF-style: chr16-3645604-A-G.
Identifiers: ClinVar variation 2052686 (VCV002052686.4), dbSNP rs2040642702, ClinGen allele CA394526460.
Genomic context (GRCh38, chr16:3,595,603, plus strand): 5'-ACCACACACATGGCAAGTGGGATGGCCGGGACCAGAGAGCGCGGGCCAGAGCCAGTTCTT[A>G]CCAAGGTGCGGCCGCCCCTGTCCGGGTGCTTGTCCTGCGATGGCACCACAAACCCAGTCA-3'

ClinVar aggregate classification (germline): Likely pathogenic (1 of 4 stars; one submission).

Conditions:
Fanconi anemia (FA). Also called: Fanconi's anemia. Identifiers: Orphanet 84, MedGen C0015625, MeSH D005199, MONDO:0019391.

Submission:

Labcorp Genetics (formerly Invitae), Labcorp
Classification: Likely pathogenic for Fanconi anemia. Last evaluated: 2023-09-26. Review status: criteria provided, single submitter. Criteria: Invitae Variant Classification Sherloc (09022015). Collection method: clinical testing. Allele origin: germline.
Comment: This sequence change affects a donor splice site in intron 9 of the SLX4 gene. RNA analysis indicates that disruption of this splice site induces altered splicing and may result in an absent or disrupted protein product. This variant is not present in population databases (gnomAD no frequency). Disruption of this splice site has been observed in individual(s) with breast cancer (PMID: 22911665). ClinVar contains an entry for this variant (Variation ID: 2052686). Studies have shown that disruption of this splice site results in skipping of exon 9 (also known as exon 8) and introduces a premature termination codon (PMID: 22911665). The resulting mRNA is expected to undergo nonsense-mediated decay. In summary, the currently available evidence indicates that the variant is pathogenic, but additional data are needed to prove that conclusively. Therefore, this variant has been classified as Likely Pathogenic.

Literature cited by the submitters: PubMed 22911665.